The following is an entry in ClinVar:

NM_001282426.2(PIK3CG):c.106G>T (p.Glu36Ter)

Gene: PIK3CG (phosphatidylinositol-4,5-bisphosphate 3-kinase catalytic subunit gamma; plus strand). Cytogenetic location: 7q22.3.
Variant type: single nucleotide variant.
Coding change: c.106G>T on transcript NM_001282426.2 (MANE Select); coding-DNA position 106, G replaced by T.
Protein change: p.Glu36Ter; replaces glutamic acid 36 with a stop codon.
Molecular consequence: nonsense.
Genome position (GRCh38, 1-based): chr7:106,867,667, G>T. VCF-style: chr7-106867667-G-T. GRCh37 (hg19) VCF-style: chr7-106508112-G-T.
Other names: c.106G>T, p.Glu36Ter (NM_001282427.2, NM_002649.3); short protein forms E36*.
Identifiers: ClinVar variation 4991894 (VCV004991894.1).

ClinVar aggregate classification (germline): Uncertain significance (1 of 4 stars; one submission).

Conditions:
PIK3CG-related disorder. Also called: PIK3CG-related condition.

gnomAD v4.1: 1 of 1,613,288 alleles (0.000062%); highest among the groups gnomAD compares: African/African-American, 0.0013%; no homozygotes.

Submission:

PreventionGenetics, part of Exact Sciences
Classification: Uncertain significance for PIK3CG-related condition. Last evaluated: 2026-06-25. Review status: criteria provided, single submitter. Criteria: ACMG Guidelines, 2015. Collection method: clinical testing. Allele origin: germline.
Comment: The PIK3CG c.106G>T variant is predicted to result in premature protein termination (p.Glu36*). To our knowledge, this variant has not been reported in the literature or in a large population database (gnomAD), indicating this variant is rare. Loss of function is not an established mechanism of PIK3CG-related disease. At this time, the clinical significance of this variant is uncertain due to the absence of conclusive functional and genetic evidence.